The following is an entry in ClinVar:

NM_004937.3(CTNS):c.794T>C (p.Phe265Ser)

Gene: CTNS (cystinosin, lysosomal cystine transporter; plus strand). Cytogenetic location: 17p13.2.
Variant type: single nucleotide variant.
Coding change: c.794T>C on transcript NM_004937.3 (MANE Select); coding-DNA position 794, T replaced by C.
Protein change: p.Phe265Ser; replaces phenylalanine 265 with serine.
Molecular consequence: missense variant.
Genome position (GRCh38, 1-based): chr17:3,658,117, T>C. VCF-style: chr17-3658117-T-C. GRCh37 (hg19) VCF-style: chr17-3561411-T-C.
Other names: c.794T>C, p.Phe265Ser (NM_001031681.3, NM_001374492.1); c.353T>C, p.Phe118Ser (NM_001374493.1, NM_001374494.1, NM_001374495.1 and 1 more transcripts); short protein forms F118S, F265S.
Identifiers: ClinVar variation 2201139 (VCV002201139.1), dbSNP rs141294499, ClinGen allele CA8291896.

ClinVar aggregate classification (germline): Uncertain significance (1 of 4 stars; one submission).

Conditions:
Inborn genetic diseases. Identifiers: MedGen C0950123, MeSH D030342.
Ocular cystinosis. Also called: Non-Nephropathic Cystinosis; Non-Nephropathic (Ocular) Cystinosis. Identifiers: Orphanet 213, Orphanet 411641, MedGen C2931013, MONDO:0009064, OMIM 219750.
Juvenile nephropathic cystinosis. Also called: Intermediate Cystinosis; CYSTINOSIS, LATE-ONSET JUVENILE OR ADOLESCENT NEPHROPATHIC TYPE; Later-Onset (Juvenile) Cystinosis. Identifiers: Orphanet 213, Orphanet 411634, MedGen C0268626, MONDO:0009066, OMIM 219900.

Allele frequency attached by ClinVar (database versions not stated): gnomAD exomes below 0.00001; gnomAD 0.00001; TOPMed 0.00001; ExAC 0.00002; ESP Exome Variant Server 0.00008.
gnomAD v4.1: 6 of 1,612,174 alleles (0.00037%); highest among the groups gnomAD compares: Admixed American, 0.0033%; no homozygotes.

Submission:

Labcorp Genetics (formerly Invitae), Labcorp
Classification: Uncertain significance for Inborn genetic diseases; Ocular cystinosis; Juvenile nephropathic cystinosis. Last evaluated: 2022-02-22. Review status: criteria provided, single submitter. Criteria: Invitae Variant Classification Sherloc (09022015). Collection method: clinical testing. Allele origin: germline.
Comment: This sequence change replaces phenylalanine, which is neutral and non-polar, with serine, which is neutral and polar, at codon 265 of the CTNS protein (p.Phe265Ser). This variant is present in population databases (rs141294499, gnomAD 0.006%). This variant has not been reported in the literature in individuals affected with CTNS-related conditions. Algorithms developed to predict the effect of missense changes on protein structure and function (SIFT, PolyPhen-2, Align-GVGD) all suggest that this variant is likely to be disruptive. In summary, the available evidence is currently insufficient to determine the role of this variant in disease. Therefore, it has been classified as a Variant of Uncertain Significance.